The following is an entry in ClinVar:

ClinVar aggregate classification (germline): Likely benign (0 of 4 stars; one submission).

Conditions:
EXOSC8-related disorder. Also called: EXOSC8-related condition.

Submission:

PreventionGenetics, part of Exact Sciences
Classification: Likely benign for EXOSC8-related condition. Last evaluated: 2024-05-09. Review status: no assertion criteria provided. Collection method: clinical testing. Allele origin: germline.
Comment: This variant is classified as likely benign based on ACMG/AMP sequence variant interpretation guidelines (Richards et al. 2015 PMID: 25741868, with internal and published modifications).

NM_181503.3(EXOSC8):c.21C>T (p.Thr7=)

Gene: EXOSC8 (exosome component 8; plus strand). Cytogenetic location: 13q13.3.
Variant type: single nucleotide variant.
Coding change: c.21C>T on transcript NM_181503.3 (MANE Select); coding-DNA position 21, C replaced by T.
Protein change: p.Thr7=; no amino-acid change (threonine 7 retained).
Molecular consequence: synonymous variant.
Genome position (GRCh38, 1-based): chr13:37,002,276, C>T. VCF-style: chr13-37002276-C-T. GRCh37 (hg19) VCF-style: chr13-37576413-C-T.
Identifiers: ClinVar variation 3352408 (VCV003352408.1).